The following is an entry in ClinVar:

ClinVar aggregate classification (germline): Uncertain significance (1 of 4 stars; one submission).

Allele frequency attached by ClinVar (database versions not stated): TOPMed 0.00006.
gnomAD v4.1: 110 of 1,612,460 alleles (0.0068%); highest among the groups gnomAD compares: Non-Finnish European, 0.0092%; no homozygotes.

Submission:

Laboratory for Molecular Medicine, Mass General Brigham Personalized Medicine
Classification: Uncertain significance. Last evaluated: 2016-02-28. Review status: criteria provided, single submitter. Criteria: LMM Criteria. Collection method: clinical testing. Allele origin: germline. Observed: 1 variant allele.
Comment: The p.Val73Phe variant in OTOF has not been previously reported in individuals w ith hearing loss. This variant has been identified in 1/63784 European chromosom es by the Exome Aggregation Consortium (ExAC; db SNP rs138545671), however its frequency is not high enough to rule out a pathoge nic role. Computational prediction tools and conservation analyses suggest that the p.Val73Phe variant may impact the protein, though this information is not pr edictive enough to determine pathogenicity. In summary, the clinical significanc e of the p.Val73Phe variant is uncertain.

NM_194248.3(OTOF):c.2287G>T (p.Val763Phe)

Genes: OTOF (otoferlin; minus strand), LOC129933334 (ATAC-STARR-seq lymphoblastoid active region 15473; plus strand). Cytogenetic location: 2p23.3.
Variant type: single nucleotide variant.
Coding change: c.2287G>T on transcript NM_194248.3 (MANE Select); coding-DNA position 2287, G replaced by T.
Protein change: p.Val763Phe; replaces valine 763 with phenylalanine.
Molecular consequence: missense variant.
Genome position (GRCh38, 1-based): chr2:26,477,677, C>A on the plus strand (G>T on the coding strand, the complement: OTOF is on the minus strand). VCF-style: chr2-26477677-C-A. GRCh37 (hg19) VCF-style: chr2-26700545-C-A.
Other names: c.2287G>T, p.Val763Phe (NM_001287489.2); c.46G>T, p.Val16Phe (NM_004802.4, NM_194323.3); c.217G>T, p.Val73Phe (NM_194322.3); short protein forms V73F, V763F, V16F.
Identifiers: ClinVar variation 229083 (VCV000229083.5), dbSNP rs138545671, ClinGen allele CA1563979.